The following is an entry in ClinVar:

NM_000918.4(P4HB):c.484A>G (p.Lys162Glu)

Gene: P4HB (prolyl 4-hydroxylase subunit beta; minus strand). Cytogenetic location: 17q25.3.
Variant type: single nucleotide variant.
Coding change: c.484A>G on transcript NM_000918.4 (MANE Select); coding-DNA position 484, A replaced by G.
Protein change: p.Lys162Glu; replaces lysine 162 with glutamic acid.
Molecular consequence: missense variant.
Genome position (GRCh38, 1-based): chr17:81,855,455, T>C on the plus strand (A>G on the coding strand, the complement: P4HB is on the minus strand). VCF-style: chr17-81855455-T-C. GRCh37 (hg19) VCF-style: chr17-79813331-T-C.
Other names: short protein forms K162E.
Identifiers: ClinVar variation 2978402 (VCV002978402.3), dbSNP rs150091072, ClinGen allele CA8842969.

ClinVar aggregate classification (germline): Uncertain significance (1 of 4 stars; one submission).

Allele frequency attached by ClinVar (database versions not stated): TOPMed 0.00002; gnomAD exomes 0.00017; ExAC 0.00002; gnomAD 0.00003; ESP Exome Variant Server 0.00008.
gnomAD v4.1: 245 of 1,611,302 alleles (0.015%); highest among the groups gnomAD compares: Non-Finnish European, 0.021%; no homozygotes.

Submission:

Labcorp Genetics (formerly Invitae), Labcorp
Classification: Uncertain significance. Last evaluated: 2025-05-12. Review status: criteria provided, single submitter. Criteria: Invitae Variant Classification Sherloc (09022015). Collection method: clinical testing. Allele origin: germline.
Comment: This sequence change replaces lysine, which is basic and polar, with glutamic acid, which is acidic and polar, at codon 162 of the P4HB protein (p.Lys162Glu). The frequency data for this variant in the population databases is considered unreliable, as metrics indicate poor data quality at this position in the gnomAD database. This missense change has been observed in individual(s) with clinical features of P4HB-related conditions (PMID: 37076969). ClinVar contains an entry for this variant (Variation ID: 2978402). An algorithm developed to predict the effect of missense changes on protein structure and function (PolyPhen-2) suggests that this variant is likely to be tolerated. In summary, the available evidence is currently insufficient to determine the role of this variant in disease. Therefore, it has been classified as a Variant of Uncertain Significance.

Literature cited by the submitters: PubMed 37076969.